The following is an entry in ClinVar:

NM_017780.4(CHD7):c.1774C>A (p.Gln592Lys)

Genes: CHD7 (chromodomain helicase DNA binding protein 7; plus strand), LOC126860403 (CDK7 strongly-dependent group 2 enhancer GRCh37_chr8:61693034-61694233; plus strand). Cytogenetic location: 8q12.2.
Variant type: single nucleotide variant.
Coding change: c.1774C>A on transcript NM_017780.4 (MANE Select); coding-DNA position 1774, C replaced by A.
Protein change: p.Gln592Lys; replaces glutamine 592 with lysine.
Molecular consequence: missense variant. On other transcripts: intron variant (1).
Genome position (GRCh38, 1-based): chr8:60,781,108, C>A. VCF-style: chr8-60781108-C-A. GRCh37 (hg19) VCF-style: chr8-61693667-C-A.
Other names: c.1716+58C>A (NM_001316690.1); short protein forms Q592K.
Identifiers: ClinVar variation 1508773 (VCV001508773.8), dbSNP rs2150669323, ClinGen allele CA371311888.
Genomic context (GRCh38, chr8:60,781,108, plus strand): 5'-CAGGTTAGTGGACCGAATGCTCAGCTAGTGAAGAGTGATGATTACCTGCCATCAATAGAA[C>A]AGCAGCCACAACAAAAGAAGAAGAAAAAGAAAAACAACCACATTGTAGCAGAGGATCCCA-3'
Protein context (NP_060250.2, residues 582-602): KSDDYLPSIE[Gln592Lys]QPQQKKKKKK

ClinVar aggregate classification (germline): Uncertain significance (1 of 4 stars; one submission).

Conditions:
CHARGE syndrome (CHARGE). Also called: Coloboma, heart anomaly, choanal atresia, retardation, genital and ear anomalies; CHARGE association; Hall-Hittner syndrome; Hittner Hirsch Kreh syndrome; CHARGE ASSOCIATION--COLOBOMA, HEART ANOMALY, CHOANAL ATRESIA, RETARDATION, GENITAL AND EAR ANOMALIES. Identifiers: Orphanet 138, MedGen C0265354, MONDO:0008965.

Submission:

Labcorp Genetics (formerly Invitae), Labcorp
Classification: Uncertain significance for CHARGE syndrome. Last evaluated: 2024-02-24. Review status: criteria provided, single submitter. Criteria: Invitae Variant Classification Sherloc (09022015). Collection method: clinical testing. Allele origin: germline.
Comment: This sequence change replaces glutamine, which is neutral and polar, with lysine, which is basic and polar, at codon 592 of the CHD7 protein (p.Gln592Lys). This variant is not present in population databases (gnomAD no frequency). This variant has not been reported in the literature in individuals affected with CHD7-related conditions. ClinVar contains an entry for this variant (Variation ID: 1508773). Advanced modeling of protein sequence and biophysical properties (such as structural, functional, and spatial information, amino acid conservation, physicochemical variation, residue mobility, and thermodynamic stability) performed at Invitae indicates that this missense variant is not expected to disrupt CHD7 protein function with a negative predictive value of 95%. In summary, the available evidence is currently insufficient to determine the role of this variant in disease. Therefore, it has been classified as a Variant of Uncertain Significance.